The following is an entry in ClinVar:

NM_017813.5(BPNT2):c.*5014A>G

Gene: BPNT2 (3'(2'), 5'-bisphosphate nucleotidase 2; minus strand). Cytogenetic location: 8q12.1.
Variant type: single nucleotide variant.
Coding change: c.*5014A>G on transcript NM_017813.5 (MANE Select); 5014 bases downstream of the stop codon, A replaced by G.
Molecular consequence: 3 prime UTR variant.
Genome position (GRCh38, 1-based): chr8:56,958,779, T>C on the plus strand (A>G on the coding strand, the complement: BPNT2 is on the minus strand). VCF-style: chr8-56958779-T-C. GRCh37 (hg19) VCF-style: chr8-57871338-T-C.
Identifiers: ClinVar variation 363337 (VCV000363337.5), dbSNP rs111729642, ClinGen allele CA10628000.
Genomic context (GRCh38, chr8:56,958,779, plus strand): 5'-CCAAAAGGGAAAAACAAGAAAAACCAGCCCTAGCAGTGCCCTGTCATCATGGCAGAGCAC[T>C]GTCTCTTCTGTGGGACTGAAACAGCTAGCTTTGGCTACTGCCGGTAGTGGACAATATGGC-3'

ClinVar aggregate classification (germline): Benign (1 of 4 stars; one submission).

Conditions:
Chondrodysplasia with joint dislocations, gPAPP type. Also called: GPAPP DEFICIENCY. Identifiers: Orphanet 280586, MedGen C3279757, MONDO:0013561, OMIM 614078.

Allele frequency attached by ClinVar (database versions not stated): gnomAD 0.01835; TOPMed 0.02012; 1000 Genomes Project 0.02037; 1000 Genomes Project 30x 0.02233.

Submission:

Illumina Laboratory Services, Illumina
Classification: Benign for Chondrodysplasia with joint dislocations, gPAPP type. Last evaluated: 2018-01-12. Review status: criteria provided, single submitter. Criteria: ICSL Variant Classification Criteria 13 December 2019. Collection method: clinical testing. Allele origin: germline.
Comment: This variant was observed in the ICSL laboratory as part of a predisposition screen in an ostensibly healthy population. It had not been previously curated by ICSL or reported in the Human Gene Mutation Database (HGMD: prior to June 1st, 2018), and was therefore a candidate for classification through an automated scoring system. Utilizing variant allele frequency, disease prevalence and penetrance estimates, and inheritance mode, an automated score was calculated to assess if this variant is too frequent to cause the disease. Based on the score and internal cut-off values, a variant classified as benign is not then subjected to further curation. The score for this variant resulted in a classification of benign for this disease.